The following is an entry in ClinVar:

NM_001110556.2(FLNA):c.6023-3C>A

Gene: FLNA (filamin A; minus strand). Cytogenetic location: Xq28.
Variant type: single nucleotide variant.
Coding change: c.6023-3C>A on transcript NM_001110556.2 (MANE Select); 3 bases into the intron before coding-DNA position 6023, C replaced by A.
Molecular consequence: intron variant.
Genome position (GRCh38, 1-based): chrX:154,353,207, G>T on the plus strand (C>A on the coding strand, the complement: FLNA is on the minus strand). VCF-style: chrX-154353207-G-T. GRCh37 (hg19) VCF-style: chrX-153581575-G-T.
Other names: c.5999-3C>A (NM_001456.4).
Identifiers: ClinVar variation 3905874 (VCV003905874.10).

ClinVar aggregate classification (germline): Uncertain significance (1 of 4 stars; one submission).

Submission:

CeGaT Center for Human Genetics Tuebingen
Classification: Uncertain significance. Last evaluated: 2025-05-01. Review status: criteria provided, single submitter. Criteria: CeGaT Center For Human Genetics Tuebingen Variant Classification Criteria Version 2. Collection method: clinical testing. Allele origin: germline. Affected: yes. Observed: 1 variant allele.
Comment: FLNA: PM2